The following is an entry in ClinVar:

ClinVar aggregate classification (germline): Uncertain significance (1 of 4 stars; one submission).

Conditions:
Metachromatic leukodystrophy (MLD). Also called: ARSA DEFICIENCY; CEREBROSIDE SULFATASE DEFICIENCY; METACHROMATIC LEUKOENCEPHALOPATHY; Cerebral sclerosis diffuse metachromatic form; Arylsulfatase A Deficiency; SULFATIDE LIPIDOSIS. Identifiers: Orphanet 512, MedGen C0023522, MONDO:0018868, OMIM 250100.

Submission:

Laboratory of Experimental Gene Therapy of Hereditary Metabolic Diseases, Research Centre for Medical Genetics
Classification: Uncertain significance for Metachromatic leukodystrophy. Last evaluated: 2026-09-17. Review status: criteria provided, single submitter. Criteria: ARSA MLD Assertion Criteria V2 2026 09 18. Collection method: clinical testing. Allele origin: germline. Inheritance: Autosomal recessive inheritance. Observed: 1 variant allele, 1 compound heterozygote.
Comment: Reassessed under ACMG/AMP 2015 with ClinGen SVI refinements and a Bayesian point framework (supporting=1, moderate=2, strong=4, very strong=8; 6-9 points=likely pathogenic; >=10 points=pathogenic). Final score: 0. No qualifying ACMG/AMP evidence criterion was assigned in the study-specific reassessment. Observations from the present referral series were excluded from classification.

NC_000022.11:g.50216441_50628029dup

Genes: DENND6B (DENN domain containing 6B; minus strand), HDAC10 (histone deacetylase 10; minus strand), KLHDC7B (kelch domain containing 7B; plus strand), KLHDC7B-DT (KLHDC7B divergent transcript; minus strand), LINC03232 (long independently transcribed non-coding RNA 3232; plus strand) and 92 more. Cytogenetic location: 22q13.33.
Variant type: Duplication.
Identifiers: ClinVar variation 4850949 (VCV004850949.2).